The following is an entry in ClinVar:

ClinVar aggregate classification (germline): Likely pathogenic (1 of 4 stars; one submission).

Conditions:
Zimmermann-Laband syndrome 3. Identifiers: MedGen C5231447, MONDO:0032854, OMIM 618658.

Submission:

3billion
Classification: Likely pathogenic for Zimmermann-Laband syndrome 3. Last evaluated: 2026-01-26. Review status: criteria provided, single submitter. Criteria: ACMG Guidelines, 2015. Collection method: clinical testing. Allele origin: germline. Affected: yes.
Comment: The variant is not observed in the gnomAD v4.1.0 dataset. Predicted Consequence/Location: Inframe deletion located in a nonrepeat region: predicted to change the length of the protein and disrupt normal protein function. The variant has been previously reported as de novo in a similarly affected individual (PMID: 33594261). The variant has been reported to be associated with KCNN3-related disorder (PMID: 33594261). Therefore, this variant is classified as Likely pathogenic according to the recommendation of ACMG/AMP guideline.

Literature cited by the submitters: PubMed 33594261.

NM_002249.6(KCNN3):c.1613TGG[1] (p.Val539del)

Gene: KCNN3 (potassium calcium-activated channel subfamily N member 3; minus strand). Cytogenetic location: 1q21.3.
Variant type: Microsatellite.
Coding change: c.1613TGG[1] on transcript NM_002249.6 (MANE Select); one copy of the 3-base unit TGG starting at c.1613; the reference has two copies in a row; one copy, 3 bases deleted; also written c.1616_1618del.
Protein change: p.Val539del; deletes valine 539.
Molecular consequence: inframe deletion.
Genome position (GRCh38, 1-based): chr1:154,725,999-154,726,001, CCA deleted on the plus strand (TGG on the coding strand, the reverse complement: KCNN3 is on the minus strand); deleting any 3 consecutive bases within chr1:154,725,999-154,726,005 gives the same sequence; the position shown is the placement nearest the transcript's 3' end. VCF-style (leftmost placement, unchanged base first): chr1-154725998-GCCA-G. GRCh37 (hg19) VCF-style: chr1-154698474-GCCA-G.
Other names: c.1658TGG[1], p.Val554del (NM_001204087.2); c.719TGG[1], p.Val241del (NM_001365837.1); c.674TGG[1], p.Val226del (NM_001365838.1); c.698TGG[1], p.Val234del (NM_170782.3); c.1616_1618del (NM_002249.6); short protein forms V226del, V234del, V241del, V539del, V554del.
Identifiers: ClinVar variation 4855618 (VCV004855618.1).
Genomic context (GRCh38, chr1:154,725,998, plus strand): 5'-ATCATGAAGTTATGAACGTGCTTCTCCGCTTTGGTGAGTTCCAGCTTTCGGGCCACCACG[GCCA>G]CCACAAGGGCAGTGCAGCCTGCACCCTGCGGGGGGACATCAAGAGGACCAGAGGGGAAAG-3'